The following is an entry in ClinVar:

NM_014679.5(CEP57):c.676C>T (p.Arg226Cys)

Gene: CEP57 (centrosomal protein 57; plus strand). Cytogenetic location: 11q21.
Variant type: single nucleotide variant.
Coding change: c.676C>T on transcript NM_014679.5 (MANE Select); coding-DNA position 676, C replaced by T.
Protein change: p.Arg226Cys; replaces arginine 226 with cysteine.
Molecular consequence: missense variant.
Genome position (GRCh38, 1-based): chr11:95,818,881, C>T. VCF-style: chr11-95818881-C-T. GRCh37 (hg19) VCF-style: chr11-95552045-C-T.
Other names: c.649C>T, p.Arg217Cys (NM_001243776.2); c.676C>T, p.Arg226Cys (NM_001243777.2); c.595C>T, p.Arg199Cys (NM_001363604.2); c.676C>T (NM_014679.4); short protein forms R199C, R217C, R226C.
Identifiers: ClinVar variation 1058278 (VCV001058278.10), dbSNP rs144903440, ClinGen allele CA6239560.
Genomic context (GRCh38, chr11:95,818,881, plus strand): 5'-CACTAGAAAAAAATGCAAGAGTTGGAAGCAAAACTCCATGAAGAAGAACAGGAAAGGAAA[C>T]GCATGCAAGCTAAGGCAGCTGAGGTAAGTTAAAATGTGAGAAAGTGGGCTCTTCATATTT-3'
Protein context (NP_055494.2, residues 216-236): KLHEEEQERK[Arg226Cys]MQAKAAELQT

ClinVar aggregate classification (germline): Uncertain significance. Review status: criteria provided, multiple submitters, no conflicts (2 of 4 stars). 2 submissions from 2 submitters: Uncertain significance (2). Last evaluated 2024-11-26.

Conditions:
Inborn genetic diseases. Identifiers: MedGen C0950123, MeSH D030342.
Mosaic variegated aneuploidy syndrome 2 (MVA2). Identifiers: Orphanet 1052, MedGen C3279843, MONDO:0013582, OMIM 614114.

Allele frequency attached by ClinVar (database versions not stated): gnomAD exomes 0.00001 and 0.00002; ExAC 0.00002; TOPMed 0.00003; gnomAD 0.00004 and 0.00005; ESP Exome Variant Server 0.00008.

Submissions (2):

Ambry Genetics
Classification: Uncertain significance for Inborn genetic diseases. Last evaluated: 2024-11-26. Review status: criteria provided, single submitter. Criteria: Ambry Variant Classification Scheme 2023. Collection method: clinical testing. Allele origin: germline.
Comment: The p.R226C variant (also known as c.676C>T), located in coding exon 6 of the CEP57 gene, results from a C to T substitution at nucleotide position 676. The arginine at codon 226 is replaced by cysteine, an amino acid with highly dissimilar properties. This amino acid position is conserved. In addition, the in silico prediction for this alteration is inconclusive. Based on the available evidence, the clinical significance of this variant remains unclear.

Labcorp Genetics (formerly Invitae), Labcorp
Classification: Uncertain significance for Mosaic variegated aneuploidy syndrome 2. Last evaluated: 2020-07-13. Review status: criteria provided, single submitter. Criteria: Invitae Variant Classification Sherloc (09022015). Collection method: clinical testing. Allele origin: germline.
Comment: This sequence change replaces arginine with cysteine at codon 226 of the CEP57 protein (p.Arg226Cys). The arginine residue is moderately conserved and there is a large physicochemical difference between arginine and cysteine. In summary, the available evidence is currently insufficient to determine the role of this variant in disease. Therefore, it has been classified as a Variant of Uncertain Significance. Algorithms developed to predict the effect of missense changes on protein structure and function (SIFT, PolyPhen-2, Align-GVGD) all suggest that this variant is likely to be disruptive, but these predictions have not been confirmed by published functional studies and their clinical significance is uncertain. This variant has not been reported in the literature in individuals with CEP57-related conditions. This variant is present in population databases (rs144903440, ExAC 0.003%).